The following is an entry in ClinVar:

ClinVar aggregate classification (germline): Conflicting classifications of pathogenicity. Review status: criteria provided, conflicting classifications (1 of 4 stars). 2 submissions from 2 submitters: Uncertain significance (1); Likely benign (1). Last evaluated 2025-08-23.

Allele frequency attached by ClinVar (database versions not stated): gnomAD 0.00001; gnomAD exomes 0.00001; TOPMed 0.00001.
gnomAD v4.1: 11 of 1,538,600 alleles (0.00071%); highest among the groups gnomAD compares: Middle Eastern, 0.017%; no homozygotes.

Submissions (2):

Ambry Genetics
Classification: Uncertain significance. Last evaluated: 2025-08-23. Review status: criteria provided, single submitter. Criteria: Ambry Variant Classification Scheme 2023. Collection method: clinical testing. Allele origin: germline.

CeGaT Center for Human Genetics Tuebingen
Classification: Likely benign. Last evaluated: 2023-11-01. Review status: criteria provided, single submitter. Criteria: CeGaT Center For Human Genetics Tuebingen Variant Classification Criteria Version 2. Collection method: clinical testing. Allele origin: germline. Affected: yes. Observed: 1 variant allele.
Comment: ZFHX2: BP4

NM_033400.3(ZFHX2):c.1471G>A (p.Ala491Thr)

Genes: THTPA (thiamine triphosphatase; plus strand), ZFHX2 (zinc finger homeobox 2; minus strand). Cytogenetic location: 14q11.2.
Variant type: single nucleotide variant.
Coding change: c.1471G>A on transcript NM_033400.3 (MANE Select); coding-DNA position 1471, G replaced by A.
Protein change: p.Ala491Thr; replaces alanine 491 with threonine.
Molecular consequence: missense variant.
Genome position (GRCh38, 1-based): chr14:23,533,855, C>T on the plus strand (G>A on the coding strand, the complement: ZFHX2 is on the minus strand). VCF-style: chr14-23533855-C-T. GRCh37 (hg19) VCF-style: chr14-24003064-C-T.
Other names: c.1471G>A (NM_033400.2); short protein forms A491T.
Identifiers: ClinVar variation 2672558 (VCV002672558.24), dbSNP rs1220815012, ClinGen allele CA389042222.
Genomic context (GRCh38, chr14:23,533,855, plus strand): 5'-CACAGCGGTAGGGTTTGTAGCCACAGTTGTAGCTCTCTCCACGAGCAAGGCGGGGGTGGG[C>T]GCCCCCAGCACTGCAGTAGCTGCAGTGACTGTTGCTCTCAGGGTGCTTCTCTCGCATGTG-3'
Protein context (NP_207646.2, residues 481-501): SHCSYCSAGG[Ala491Thr]HPRLARGESY